The following is an entry in ClinVar:

NM_014991.6(WDFY3):c.4397C>G (p.Ser1466Cys)

Gene: WDFY3 (WD repeat and FYVE domain containing 3; minus strand). Cytogenetic location: 4q21.23.
Variant type: single nucleotide variant.
Coding change: c.4397C>G on transcript NM_014991.6 (MANE Select); coding-DNA position 4397, C replaced by G.
Protein change: p.Ser1466Cys; replaces serine 1466 with cysteine.
Molecular consequence: missense variant.
Genome position (GRCh38, 1-based): chr4:84,778,624, G>C on the plus strand (C>G on the coding strand, the complement: WDFY3 is on the minus strand). VCF-style: chr4-84778624-G-C. GRCh37 (hg19) VCF-style: chr4-85699777-G-C.
Other names: short protein forms S1466C.
Identifiers: ClinVar variation 2499394 (VCV002499394.2), dbSNP rs1745952393, ClinGen allele CA357549219.

ClinVar aggregate classification (germline): Uncertain significance (1 of 4 stars; one submission).

Allele frequency attached by ClinVar (database versions not stated): TOPMed below 0.00001; gnomAD exomes below 0.00001.
gnomAD v4.1: 2 of 1,610,336 alleles (0.00012%); highest among the groups gnomAD compares: Admixed American, 0.0017%; no homozygotes.

Submission:

GeneDx
Classification: Uncertain significance. Last evaluated: 2024-10-11. Review status: criteria provided, single submitter. Criteria: GeneDx Variant Classification Process June 2021. Collection method: clinical testing. Allele origin: germline.
Comment: Not observed at significant frequency in large population cohorts (gnomAD); In silico analysis supports that this missense variant has a deleterious effect on protein structure/function; Has not been previously published as pathogenic or benign to our knowledge